The following is an entry in ClinVar:

NM_001369.3(DNAH5):c.2052+3G>T

Gene: DNAH5 (dynein axonemal heavy chain 5; minus strand). Cytogenetic location: 5p15.2.
Variant type: single nucleotide variant.
Coding change: c.2052+3G>T on transcript NM_001369.3 (MANE Select); 3 bases into the intron after coding-DNA position 2052, G replaced by T.
Molecular consequence: intron variant.
Genome position (GRCh38, 1-based): chr5:13,901,249, C>A on the plus strand (G>T on the coding strand, the complement: DNAH5 is on the minus strand). VCF-style: chr5-13901249-C-A. GRCh37 (hg19) VCF-style: chr5-13901358-C-A.
Identifiers: ClinVar variation 2671846 (VCV002671846.2), dbSNP rs2547091579, ClinGen allele CA2695198581.
Genomic context (GRCh38, chr5:13,901,249, plus strand): 5'-AAATGCTAGAAGAGGGGTTCCCATGATTCCAACAATGGGAAGAGTATAAATTTAGGGACT[C>A]ACTTGCCGAAGCCACGCCCTGTGGAAGAGGACCTCAAACTCCAGGAGGACCTTGGCCATC-3'

ClinVar aggregate classification (germline): Likely pathogenic (1 of 4 stars; one submission).

Conditions:
Primary ciliary dyskinesia. Also called: Ciliary dyskinesia. Identifiers: Orphanet 244, MedGen C0008780, MONDO:0016575, HP:0012265.

Submission:

Institute Of Molecular Biology And Genetics, Federal Almazov National Medical Research Centre
Classification: Likely pathogenic for Primary ciliary dyskinesia. Last evaluated: 2023-12-11. Review status: criteria provided, single submitter. Criteria: ACMG Guidelines, 2015. Collection method: clinical testing. Allele origin: paternal. Affected: yes. Observed: 4 variant alleles.
Comment: The c.2052+3G>T variant alters the third base of intron 14 in the DNAH5 gene, and is supposed to affect a donor splice site. Loss-of-function variants in DNAH5 are known to be pathogenic (PMID:11788826, 16627867). To our knowledge, it has not been previously reported either in publicly available databases (GnomAD, dbSNP, ClinVar), or in the literature. Totally, we identified the c.2052+3G>T variant in four patients with PCD phenotype. For these reasons, this variant has been classified as Likely Pathogenic.